The following is an entry in ClinVar:

NM_001378778.1(MPDZ):c.1346G>A (p.Arg449Gln)

Gene: MPDZ (multiple PDZ domain crumbs cell polarity complex component; minus strand). Cytogenetic location: 9p23.
Variant type: single nucleotide variant.
Coding change: c.1346G>A on transcript NM_001378778.1 (MANE Select); coding-DNA position 1346, G replaced by A.
Protein change: p.Arg449Gln; replaces arginine 449 with glutamine.
Molecular consequence: missense variant.
Genome position (GRCh38, 1-based): chr9:13,206,044, C>T on the plus strand (G>A on the coding strand, the complement: MPDZ is on the minus strand). VCF-style: chr9-13206044-C-T. GRCh37 (hg19) VCF-style: chr9-13206043-C-T.
Other names: c.1346G>A, p.Arg449Gln (NM_001261406.2, NM_001261407.2, NM_001330637.2 and 14 more transcripts); short protein forms R449Q.
Identifiers: ClinVar variation 1368526 (VCV001368526.3), dbSNP rs376910496, ClinGen allele CA4987805.

ClinVar aggregate classification (germline): Uncertain significance (1 of 4 stars; one submission).

Allele frequency attached by ClinVar (database versions not stated): gnomAD 0.00003; gnomAD exomes 0.00003 and 0.00004; ExAC 0.00004; ESP Exome Variant Server 0.00008.
gnomAD v4.1: 62 of 1,611,202 alleles (0.0038%); highest among the groups gnomAD compares: East Asian, 0.058%; no homozygotes.

Submission:

Labcorp Genetics (formerly Invitae), Labcorp
Classification: Uncertain significance. Last evaluated: 2022-07-06. Review status: criteria provided, single submitter. Criteria: Invitae Variant Classification Sherloc (09022015). Collection method: clinical testing. Allele origin: germline.
Comment: This sequence change replaces arginine, which is basic and polar, with glutamine, which is neutral and polar, at codon 449 of the MPDZ protein (p.Arg449Gln). This variant is present in population databases (rs376910496, gnomAD 0.03%). This variant has not been reported in the literature in individuals affected with MPDZ-related conditions. ClinVar contains an entry for this variant (Variation ID: 1368526). Algorithms developed to predict the effect of missense changes on protein structure and function (SIFT, PolyPhen-2, Align-GVGD) all suggest that this variant is likely to be disruptive. In summary, the available evidence is currently insufficient to determine the role of this variant in disease. Therefore, it has been classified as a Variant of Uncertain Significance.